The following is an entry in ClinVar:

NM_005476.7(GNE):c.788G>T (p.Arg263Leu)

Gene: GNE (glucosamine (UDP-N-acetyl)-2-epimerase/N-acetylmannosamine kinase; minus strand). Cytogenetic location: 9p13.3.
Variant type: single nucleotide variant.
Coding change: c.788G>T on transcript NM_005476.7 (MANE Select); coding-DNA position 788, G replaced by T.
Protein change: p.Arg263Leu; replaces arginine 263 with leucine.
Molecular consequence: missense variant.
Genome position (GRCh38, 1-based): chr9:36,234,114, C>A on the plus strand (G>T on the coding strand, the complement: GNE is on the minus strand). VCF-style: chr9-36234114-C-A. GRCh37 (hg19) VCF-style: chr9-36234111-C-A.
Other names: c.881G>T, p.Arg294Leu (NM_001128227.3); c.788G>T, p.Arg263Leu (NM_001190383.3); c.458G>T, p.Arg153Leu (NM_001190384.3); c.611G>T, p.Arg204Leu (NM_001190388.2, NM_001374798.1); c.635G>T, p.Arg212Leu (NM_001374797.1); short protein forms R263L, R294L, R153L, R212L, R204L.
Identifiers: ClinVar variation 6023 (VCV000006023.6), dbSNP rs121908623, ClinGen allele CA340505.

ClinVar aggregate classification (germline): Likely pathogenic. Review status: criteria provided, single submitter (1 of 4 stars). 3 submissions from 3 submitters: Likely pathogenic (1). 2 of the submissions do not count toward it. Last evaluated 2021-06-23.

Conditions:
Sialuria. Also called: SIALURIA, FRENCH TYPE; Sialic Acid Storage Disease. Identifiers: Orphanet 3166, MedGen C0342853, MONDO:0010028, OMIM 269921.

Submissions (3):

Laboratorio de Genetica e Diagnostico Molecular, Hospital Israelita Albert Einstein
Classification: Likely pathogenic for Sialuria. Last evaluated: 2021-06-23. Review status: criteria provided, single submitter. Criteria: ACMG Guidelines, 2015. Collection method: clinical testing. Allele origin: germline. Affected: yes.
Comment: ACMG classification criteria: PS3 supporting, PS4 supporting, PM1 moderate, PM2 moderate, PP3 supporting

OMIM
Classification: Pathogenic for SIALURIA. Last evaluated: 1999-06-01. Review status: no assertion criteria provided. Collection method: literature only. Allele origin: germline. Not counted in ClinVar's aggregate classification.

GeneReviews
No classification provided. Condition: Sialuria. Review status: no classification provided. Collection method: literature only. Allele origin: unknown. Not counted in ClinVar's aggregate classification.

Literature cited by the submitters: PubMed 8439453 (cited by OMIM); PubMed 10330343 (cited by OMIM); PubMed 20301343 (cited by GeneReviews); NCBI Bookshelf NBK1164 (cited by GeneReviews).